The following is an entry in ClinVar:

NM_152383.5(DIS3L2):c.2039T>C (p.Leu680Pro)

Gene: DIS3L2 (DIS3 like 3'-5' exoribonuclease 2; plus strand). Cytogenetic location: 2q37.1.
Variant type: single nucleotide variant.
Coding change: c.2039T>C on transcript NM_152383.5 (MANE Select); coding-DNA position 2039, T replaced by C.
Protein change: p.Leu680Pro; replaces leucine 680 with proline.
Molecular consequence: missense variant. On other transcripts: non-coding transcript variant (2), intron variant (1).
Genome position (GRCh38, 1-based): chr2:232,333,868, T>C. VCF-style: chr2-232333868-T-C. GRCh37 (hg19) VCF-style: chr2-233198578-T-C.
Other names: c.1582-9477T>C (NM_001257281.2); short protein forms L680P.
Identifiers: ClinVar variation 1912216 (VCV001912216.5), dbSNP rs747121521, ClinGen allele CA2164380.

ClinVar aggregate classification (germline): Uncertain significance (1 of 4 stars; one submission).

Conditions:
Perlman syndrome (PRLMNS). Identifiers: Orphanet 2849, MedGen C0796113, MONDO:0009965, OMIM 267000.

Allele frequency attached by ClinVar (database versions not stated): ExAC 0.00001; TOPMed 0.00001.

Submission:

Labcorp Genetics (formerly Invitae), Labcorp
Classification: Uncertain significance for Perlman syndrome. Last evaluated: 2022-10-04. Review status: criteria provided, single submitter. Criteria: Invitae Variant Classification Sherloc (09022015). Collection method: clinical testing. Allele origin: germline.
Comment: This sequence change replaces leucine, which is neutral and non-polar, with proline, which is neutral and non-polar, at codon 680 of the DIS3L2 protein (p.Leu680Pro). This variant is present in population databases (rs747121521, gnomAD 0.007%). This variant has not been reported in the literature in individuals affected with DIS3L2-related conditions. Algorithms developed to predict the effect of missense changes on protein structure and function are either unavailable or do not agree on the potential impact of this missense change (SIFT: "Tolerated"; PolyPhen-2: "Probably Damaging"; Align-GVGD: "Class C0"). In summary, the available evidence is currently insufficient to determine the role of this variant in disease. Therefore, it has been classified as a Variant of Uncertain Significance.